The following is an entry in ClinVar:

ClinVar aggregate classification (germline): Likely benign. Review status: reviewed by expert panel (3 of 4 stars). 13 submissions from 13 submitters: Likely benign (1). 12 of the submissions do not count toward it. Last evaluated 2017-06-29.

Conditions:
Hereditary breast ovarian cancer syndrome. Also called: Hereditary breast and ovarian cancer syndrome; Hereditary breast and ovarian cancer syndrome (HBOC); BRCA1- and BRCA2-Associated Hereditary Breast and Ovarian Cancer; Breast and ovarian cancer; Hereditary breast and ovarian cancer; Hereditary breast and/or ovarian cancer syndrome. Identifiers: Orphanet 145, MedGen C0677776, MeSH D061325, MONDO:0003582. Disease mechanism: loss of function.
Hereditary cancer-predisposing syndrome. Also called: Hereditary Cancer Syndrome; Hereditary neoplastic syndrome; Tumor predisposition; Neoplastic Syndromes, Hereditary. Identifiers: Orphanet 140162, MedGen C0027672, MeSH D009386, MONDO:0015356.
Breast-ovarian cancer, familial, susceptibility to, 1 (BROVCA1). Also called: OVARIAN CANCER, SUSCEPTIBILITY TO; BRCA1 Hereditary Breast and Ovarian Cancer. Identifiers: Orphanet 145, MedGen C2676676, MONDO:0011450, OMIM 604370. Disease mechanism: loss of function.

Allele frequency attached by ClinVar (database versions not stated): gnomAD exomes 0.00001 and 0.00004; TOPMed 0.00001; gnomAD 0.00003 and 0.00004; ESP Exome Variant Server 0.00008.
gnomAD v4.1: 56 of 1,613,658 alleles (0.0035%); highest among the groups gnomAD compares: Non-Finnish European, 0.0047%; no homozygotes.

Submissions (14):

Evidence-based Network for the Interpretation of Germline Mutant Alleles (ENIGMA)
Classification: Likely benign for Breast-ovarian cancer, familial, susceptibility to, 1. Last evaluated: 2017-06-29. Review status: reviewed by expert panel. Criteria: ENIGMA BRCA1/2 Classification Criteria (2017-06-29). Collection method: curation. Allele origin: germline.
Comment: Synonymous substitution variant, with low bioinformatic likelihood to result in a splicing aberration (Splicing prior probability 0.02).

Labcorp Genetics (formerly Invitae), Labcorp
Classification: Likely benign for Hereditary breast ovarian cancer syndrome. Last evaluated: 2026-01-05. Review status: criteria provided, single submitter. Criteria: Invitae Variant Classification Sherloc (09022015). Collection method: clinical testing. Allele origin: germline. Not counted in ClinVar's aggregate classification.

Quest Diagnostics Nichols Institute San Juan Capistrano
Classification: Likely benign. Last evaluated: 2025-09-08. Review status: criteria provided, single submitter. Criteria: Quest Diagnostics criteria. Collection method: clinical testing. Allele origin: unknown. Not counted in ClinVar's aggregate classification.

All of Us Research Program, National Institutes of Health
Classification: Likely benign for Breast-ovarian cancer, familial, susceptibility to, 1. Last evaluated: 2023-12-13. Review status: criteria provided, single submitter. Criteria: ACMG Guidelines, 2015. Collection method: clinical testing. Allele origin: germline. Inheritance: Autosomal dominant inheritance. Observed: 2 variant alleles, 2 heterozygotes. Not counted in ClinVar's aggregate classification.
Comment: This study involves interpretation of variants in research participants for the purpose of population health screening. Participant phenotype was not available at the time of variant classification. Additional details can be found in publication PMID: 35346344, PMCID: PMC8962531

Blueprint Genetics
Classification: Likely benign. Last evaluated: 2023-01-23. Review status: criteria provided, single submitter. Criteria: ACMG Guidelines, 2015. Collection method: clinical testing. Allele origin: germline. Not counted in ClinVar's aggregate classification.

Women's Health and Genetics/Laboratory Corporation of America, LabCorp
Classification: Likely benign. Last evaluated: 2020-10-22. Review status: criteria provided, single submitter. Criteria: LabCorp Variant Classification Summary - May 2015. Collection method: clinical testing. Allele origin: germline. Not counted in ClinVar's aggregate classification.

Color Diagnostics, LLC DBA Color Health
Classification: Likely benign for Hereditary cancer-predisposing syndrome. Last evaluated: 2016-04-19. Review status: criteria provided, single submitter. Criteria: ACMG Guidelines, 2015. Collection method: clinical testing. Allele origin: germline. Not counted in ClinVar's aggregate classification.

Ambry Genetics
Classification: Likely benign for Hereditary cancer-predisposing syndrome. Last evaluated: 2014-10-09. Review status: criteria provided, single submitter. Criteria: Ambry Variant Classification Scheme 2023. Collection method: clinical testing. Allele origin: germline. Not counted in ClinVar's aggregate classification.

GeneDx
Classification: Benign. Last evaluated: 2014-07-22. Review status: criteria provided, single submitter. Criteria: GeneDx Variant Classification (06012015). Collection method: clinical testing. Allele origin: germline. Affected: yes. Not counted in ClinVar's aggregate classification.
Comment: This variant is considered likely benign or benign based on one or more of the following criteria: it is a conservative change, it occurs at a poorly conserved position in the protein, it is predicted to be benign by multiple in silico algorithms, and/or has population frequency not consistent with disease.

Brotman Baty Institute, University of Washington
No classification provided (evidence only). Condition: Breast-ovarian cancer, familial 1. Review status: no classification provided. Collection method: in vitro. Allele origin: not applicable. Functional consequence: functionally_normal. Not counted in ClinVar's aggregate classification.
ClinVar note: "not provided" was previously submitted as the classification for the variant. However, the classification appeared to be based only on an observation of functional data so it was converted to no classification on 2025-07-30.

Clinical Genetics DNA and cytogenetics Diagnostics Lab, Erasmus MC, Erasmus Medical Center
Classification: Likely benign. Review status: no assertion criteria provided. Collection method: clinical testing. Allele origin: germline. Affected: yes. Study: VKGL Data-share Consensus. Not counted in ClinVar's aggregate classification.

Clinical Genetics Laboratory, Department of Pathology, Netherlands Cancer Institute
Classification: Likely benign. Review status: no assertion criteria provided. Collection method: clinical testing. Allele origin: germline. Affected: yes. Study: VKGL Data-share Consensus. Not counted in ClinVar's aggregate classification.

Diagnostic Laboratory, Department of Genetics, University Medical Center Groningen
Classification: Likely benign for Breast-ovarian cancer, familial, susceptibility to, 1. Review status: no assertion criteria provided. Collection method: clinical testing. Allele origin: germline. Affected: yes. Study: VKGL Data-share Consensus. Not counted in ClinVar's aggregate classification.

Joint Genome Diagnostic Labs from Nijmegen and Maastricht, Radboudumc and MUMC+
Classification: Likely benign. Review status: no assertion criteria provided. Collection method: clinical testing. Allele origin: germline. Affected: yes. Study: VKGL Data-share Consensus. Not counted in ClinVar's aggregate classification.

Literature cited by the submitters: PubMed 16267036 (cited by Quest Diagnostics Nichols Institute San Juan Capistrano and Women's Health and Genetics/Laboratory Corporation of America, LabCorp); PubMed 26898890 (cited by Quest Diagnostics Nichols Institute San Juan Capistrano and Women's Health and Genetics/Laboratory Corporation of America, LabCorp); PubMed 19370767 (cited by Quest Diagnostics Nichols Institute San Juan Capistrano and Women's Health and Genetics/Laboratory Corporation of America, LabCorp); PubMed 20167696 (cited by Quest Diagnostics Nichols Institute San Juan Capistrano and Women's Health and Genetics/Laboratory Corporation of America, LabCorp); PubMed 30209399 (cited by Quest Diagnostics Nichols Institute San Juan Capistrano).

NM_007294.4(BRCA1):c.288C>T (p.Asp96=)

Gene: BRCA1 (BRCA1 DNA repair associated; minus strand). Cytogenetic location: 17q21.31.
Variant type: single nucleotide variant.
Coding change: c.288C>T on transcript NM_007294.4 (MANE Select); coding-DNA position 288, C replaced by T.
Protein change: p.Asp96=; no amino-acid change (aspartic acid 96 retained).
Molecular consequence: synonymous variant. On other transcripts: 5 prime UTR variant (7), intron variant (2).
Genome position (GRCh38, 1-based): chr17:43,104,881, G>A on the plus strand (C>T on the coding strand, the complement: BRCA1 is on the minus strand). VCF-style: chr17-43104881-G-A. GRCh37 (hg19) VCF-style: chr17-41256898-G-A.
Other names: p.D96D:GAC>GAT; c.288C>T, p.Asp96= (NM_001407611.1, NM_001407612.1, NM_001407613.1 and 168 more transcripts); c.210C>T, p.Asp70= (NM_001407653.1, NM_001407654.1, NM_001407655.1 and 21 more transcripts); c.147C>T, p.Asp49= (NM_001407692.1, NM_001407694.1, NM_001407695.1 and 99 more transcripts); c.78C>T, p.Asp26= (NM_001407853.1, NM_001407879.1, NM_001407881.1 and 58 more transcripts); c.-94C>T (NM_001407959.1, NM_001407960.1, NM_001407962.1 and 4 more transcripts); c.156C>T, p.Asp52= (NM_001408451.1); c.-218-10021C>T (NM_001407967.1, NM_001407966.1).
Identifiers: ClinVar variation 182084 (VCV000182084.36), dbSNP rs146085503, ClinGen allele CA001886.